The following is an entry in ClinVar:

ClinVar aggregate classification (germline): Benign/Likely benign. Review status: criteria provided, multiple submitters, no conflicts (2 of 4 stars). 3 submissions from 3 submitters: Benign (1); Likely benign (2). Last evaluated 2018-06-16.

Conditions:
Autosomal recessive nonsyndromic hearing loss 6. Also called: NEUROSENSORY NONSYNDROMIC RECESSIVE DEAFNESS 6. Identifiers: Orphanet 90636, MedGen C1832992, MONDO:0010965, OMIM 600971.

Allele frequency attached by ClinVar (database versions not stated): TOPMed 0.03747; 1000 Genomes Project 30x 0.04201; ESP Exome Variant Server 0.04329; 1000 Genomes Project 0.04413; gnomAD 0.04613 and 0.04812; gnomAD exomes 0.06064.
gnomAD v4.1: 95,664 of 1,610,498 alleles (5.9%); highest among the groups gnomAD compares: South Asian, 13%; 3,657 homozygotes.

Submissions (3):

GeneDx
Classification: Benign. Last evaluated: 2018-06-16. Review status: criteria provided, single submitter. Criteria: GeneDx Variant Classification Process June 2021. Collection method: clinical testing. Allele origin: germline. Affected: yes.

Illumina Laboratory Services, Illumina
Classification: Likely benign for Autosomal recessive nonsyndromic hearing loss 6. Last evaluated: 2018-01-13. Review status: criteria provided, single submitter. Criteria: ICSL Variant Classification Criteria 13 December 2019. Collection method: clinical testing. Allele origin: germline.
Comment: This variant was observed in the ICSL laboratory as part of a predisposition screen in an ostensibly healthy population. It had not been previously curated by ICSL or reported in the Human Gene Mutation Database (HGMD: prior to June 1st, 2018), and was therefore a candidate for classification through an automated scoring system. Utilizing variant allele frequency, disease prevalence and penetrance estimates, and inheritance mode, an automated score was calculated to assess if this variant is too frequent to cause the disease. Based on the score and internal cut-off values, a variant classified as likely benign is not then subjected to further curation. The score for this variant resulted in a classification of likely benign for this disease.

Breakthrough Genomics
Classification: Likely benign. Review status: criteria provided, single submitter. Criteria: ACMG Guidelines, 2015. Collection method: not provided. Allele origin: germline. Inheritance: Autosomal recessive inheritance. Affected: yes.

NM_147196.3(TMIE):c.*51C>T

Gene: TMIE (transmembrane inner ear; plus strand). Cytogenetic location: 3p21.31.
Variant type: single nucleotide variant.
Coding change: c.*51C>T on transcript NM_147196.3 (MANE Select); 51 bases downstream of the stop codon, C replaced by T.
Molecular consequence: 3 prime UTR variant.
Genome position (GRCh38, 1-based): chr3:46,709,739, C>T. VCF-style: chr3-46709739-C-T. GRCh37 (hg19) VCF-style: chr3-46751229-C-T.
Other names: c.*51C>T (NM_001370524.1, NM_001370525.1).
Identifiers: ClinVar variation 345550 (VCV000345550.7), dbSNP rs56002857, ClinGen allele CA2358061.
Genomic context (GRCh38, chr3:46,709,739, plus strand): 5'-AGAGAAATGAAGACATCCTGGGCAGCTTGGGCTGGCGGGCCCTGGAGCTCAAGCCGTGGC[C>T]GGGGTCCAGGCATGTTGGACTCTGAGCTCATTTGGGGACCACAGAGGCTGTGGTCAGAGA-3'